The following is an entry in ClinVar:

NM_005869.4(CWC27):c.427C>T (p.Arg143Ter)

Gene: CWC27 (CWC27 spliceosome associated cyclophilin; plus strand). Cytogenetic location: 5q12.3.
Variant type: single nucleotide variant.
Coding change: c.427C>T on transcript NM_005869.4 (MANE Select); coding-DNA position 427, C replaced by T.
Protein change: p.Arg143Ter; replaces arginine 143 with a stop codon.
Molecular consequence: nonsense.
Genome position (GRCh38, 1-based): chr5:64,785,511, C>T. VCF-style: chr5-64785511-C-T. GRCh37 (hg19) VCF-style: chr5-64081338-C-T.
Other names: c.427C>T, p.Arg143Ter (NM_001297644.1, NM_001297645.2, NM_001318000.2 and 1 more transcripts); short protein forms R143*.
Identifiers: ClinVar variation 1687405 (VCV001687405.13), dbSNP rs773382223, ClinGen allele CA3281947.

ClinVar aggregate classification (germline): Pathogenic/Likely pathogenic. Review status: criteria provided, multiple submitters, no conflicts (2 of 4 stars). 5 submissions from 5 submitters: Pathogenic (4); Likely pathogenic (1). Last evaluated 2025-09-25.

Conditions:
Metaphyseal chondrodysplasia-retinitis pigmentosa syndrome. Also called: Retinitis pigmentosa with or without skeletal anomalies. Identifiers: Orphanet 166035, MedGen C1855188, MONDO:0009598, OMIM 250410.
CWC27-related disorder. Also called: CWC27-related condition.

Allele frequency attached by ClinVar (database versions not stated): ExAC 0.00001; gnomAD 0.00001; TOPMed 0.00001.
gnomAD v4.1: 15 of 1,542,608 alleles (0.00097%); highest among the groups gnomAD compares: South Asian, 0.0025%; no homozygotes.

Submissions (5):

First Genomix Gene Laboratory, Genetic Diagnostics Department
Classification: Pathogenic for Metaphyseal chondrodysplasia-retinitis pigmentosa syndrome. Last evaluated: 2025-09-25. Review status: criteria provided, single submitter. Criteria: ACMG Guidelines, 2015. Collection method: clinical testing. Allele origin: germline. Inheritance: Autosomal recessive inheritance. Affected: no. Observed: 1 variant allele.

Labcorp Genetics (formerly Invitae), Labcorp
Classification: Pathogenic. Last evaluated: 2024-10-21. Review status: criteria provided, single submitter. Criteria: Invitae Variant Classification Sherloc (09022015). Collection method: clinical testing. Allele origin: germline.
Comment: This sequence change creates a premature translational stop signal (p.Arg143*) in the CWC27 gene. It is expected to result in an absent or disrupted protein product. Loss-of-function variants in CWC27 are known to be pathogenic (PMID: 28285769). The frequency data for this variant in the population databases is considered unreliable, as metrics indicate poor data quality at this position in the gnomAD database. This premature translational stop signal has been observed in individual(s) with autosomal recessive retinitis pigmentosa with or without skeletal anomalies (PMID: 28285769). In at least one individual the data is consistent with being in trans (on the opposite chromosome) from a pathogenic variant. ClinVar contains an entry for this variant (Variation ID: 1687405). Algorithms developed to predict the effect of sequence changes on RNA splicing suggest that this variant may disrupt the consensus splice site. For these reasons, this variant has been classified as Pathogenic.

Institute of Human Genetics Munich, TUM University Hospital
Classification: Pathogenic for Metaphyseal chondrodysplasia-retinitis pigmentosa syndrome. Last evaluated: 2023-12-22. Review status: criteria provided, single submitter. Criteria: Classification criteria August 2017. Collection method: clinical testing. Allele origin: inherited. Inheritance: Autosomal recessive inheritance. Affected: yes. Observed: 1 variant allele.

Blueprint Genetics
Classification: Likely pathogenic for CWC27-related disorders. Last evaluated: 2023-06-21. Review status: criteria provided, single submitter. Criteria: ACMG Guidelines, 2015. Collection method: clinical testing. Allele origin: germline. Affected: yes. Observed: 1 variant allele.

3billion
Classification: Pathogenic for Metaphyseal chondrodysplasia-retinitis pigmentosa syndrome. Last evaluated: 2022-05-22. Review status: criteria provided, single submitter. Criteria: ACMG Guidelines, 2015. Collection method: clinical testing. Allele origin: germline. Affected: yes. Observed: 1 homozygote.
Comment: The variant is observed at an extremely low frequency in the gnomAD v2.1.1 dataset (total allele frequency: <0.001%). Stop-gained (nonsense): predicted to result in a loss or disruption of normal protein function through nonsense-mediated decay (NMD) or protein truncation. Multiple pathogenic variants are reported downstream of the variant. The variant has been reported to be associated with CWC27 related disorder (PMID: 28285769). And it has been reported to be in trans with a pathogenic variant as either compound heterozygous or homozygous in at least one similarly affected unrelated individual (PMID: 28285769). Therefore, this variant is classified as pathogenic according to the recommendation of ACMG/AMP guideline.

Literature cited by the submitters: PubMed 28285769 (cited by Labcorp Genetics (formerly Invitae), Labcorp and 3billion).